The following is an entry in ClinVar:

NM_001297595.2(SIN3B):c.939+5G>A

Gene: SIN3B (SIN3 transcription regulator family member B; plus strand). Cytogenetic location: 19p13.11.
Variant type: single nucleotide variant.
Coding change: c.939+5G>A on transcript NM_001297595.2 (MANE Select); 5 bases into the intron after coding-DNA position 939, G replaced by A.
Molecular consequence: intron variant.
Genome position (GRCh38, 1-based): chr19:16,853,163, G>A. VCF-style: chr19-16853163-G-A. GRCh37 (hg19) VCF-style: chr19-16963974-G-A.
Other names: c.939+5G>A (NM_015260.4).
Identifiers: ClinVar variation 3375954 (VCV003375954.1).
Genomic context (GRCh38, chr19:16,853,163, plus strand): 5'-CCATCGCTGCAGTGGGGAAGTACGGGACTCTGCAGGAATTTTCTTTCTTTGACAAGGTGA[G>A]GGTGGGCCCTGGCTTCCATCTTGGGGATGCCATGTCCAGCTGGCTGGGCCAATGCTCCCT-3'

ClinVar aggregate classification (germline): Uncertain significance (1 of 4 stars; one submission).

gnomAD v4.1: 1 of 1,613,566 alleles (0.000062%); highest among the groups gnomAD compares: Admixed American, 0.0017%; no homozygotes.

Submission:

GeneDx
Classification: Uncertain significance. Last evaluated: 2024-05-02. Review status: criteria provided, single submitter. Criteria: GeneDx Variant Classification Process June 2021. Collection method: clinical testing. Allele origin: germline. Affected: yes.
Comment: Not observed at significant frequency in large population cohorts (gnomAD); In silico analysis supports a deleterious effect on splicing; Has not been previously published as pathogenic or benign to our knowledge